The following is an entry in ClinVar:

NM_015978.3(TNNI3K):c.235+6T>C

Genes: FPGT-TNNI3K (FPGT-TNNI3K readthrough; plus strand), TNNI3K (TNNI3 interacting kinase; plus strand). Cytogenetic location: 1p31.1.
Variant type: single nucleotide variant.
Coding change: c.235+6T>C on transcript NM_015978.3 (MANE Select); 6 bases into the intron after coding-DNA position 235, T replaced by C.
Molecular consequence: intron variant.
Genome position (GRCh38, 1-based): chr1:74,249,550, T>C. VCF-style: chr1-74249550-T-C. GRCh37 (hg19) VCF-style: chr1-74715234-T-C.
Other names: c.538+6T>C (NM_001112808.3, NM_001199327.2).
Identifiers: ClinVar variation 4772490 (VCV004772490.1).
Genomic context (GRCh38, chr1:74,249,550, plus strand): 5'-AATTACCGCACTGAAAATGGGCTGTCTCTACTTCATTTATGTTGCATTTGTGGAGGTGAG[T>C]ACTTGAAACTTAGTACTTCTTAAACTGGTTATATGTGTATATCGTCAGTGACTTGAGCTG-3'

ClinVar aggregate classification (germline): Uncertain significance (1 of 4 stars; one submission).

gnomAD v4.1: 5 of 1,612,970 alleles (0.00031%); highest among the groups gnomAD compares: South Asian, 0.0055%; no homozygotes.

Submission:

Labcorp Genetics (formerly Invitae), Labcorp
Classification: Uncertain significance. Last evaluated: 2025-04-08. Review status: criteria provided, single submitter. Criteria: Invitae Variant Classification Sherloc (09022015). Collection method: clinical testing. Allele origin: germline.
Comment: This sequence change falls in intron 3 of the TNNI3K gene. It does not directly change the encoded amino acid sequence of the TNNI3K protein. It affects a nucleotide within the consensus splice site. This variant is present in population databases (no rsID available, gnomAD 0.003%). This variant has not been reported in the literature in individuals affected with TNNI3K-related conditions. Variants that disrupt the consensus splice site are a relatively common cause of aberrant splicing (PMID: 17576681, 9536098). Algorithms developed to predict the effect of sequence changes on RNA splicing suggest that this variant is not likely to affect RNA splicing. In summary, the available evidence is currently insufficient to determine the role of this variant in disease. Therefore, it has been classified as a Variant of Uncertain Significance.

Literature cited by the submitters: PubMed 17576681; PubMed 9536098.